The following is an entry in ClinVar:

NM_022132.5(MCCC2):c.302C>A (p.Ser101Tyr)

Gene: MCCC2 (methylcrotonyl-CoA carboxylase subunit 2; plus strand). Cytogenetic location: 5q13.2.
Variant type: single nucleotide variant.
Coding change: c.302C>A on transcript NM_022132.5 (MANE Select); coding-DNA position 302, C replaced by A.
Protein change: p.Ser101Tyr; replaces serine 101 with tyrosine.
Molecular consequence: missense variant.
Genome position (GRCh38, 1-based): chr5:71,599,679, C>A. VCF-style: chr5-71599679-C-A. GRCh37 (hg19) VCF-style: chr5-70895506-C-A.
Other names: c.302C>A, p.Ser101Tyr (NM_001363147.1); short protein forms S101Y.
Identifiers: ClinVar variation 390406 (VCV000390406.2), dbSNP rs748028684, ClinGen allele CA16605384.

ClinVar aggregate classification (germline): Likely pathogenic (1 of 4 stars; one submission).

Submission:

GeneDx
Classification: Likely pathogenic. Last evaluated: 2016-11-03. Review status: criteria provided, single submitter. Criteria: GeneDx Variant Classification (06012015). Collection method: clinical testing. Allele origin: germline. Affected: yes.
Comment: The S101Y variant has not been published as a pathogenic variant, nor has it been reported as a benign variant to our knowledge. The S101Y variant was not observed in approximately 6500 individuals of European and African American ancestry in the NHLBI Exome Sequencing Project, indicating it is not a common benign variant in these populations. The S101Y variant is a semi-conservative amino acid substitution, which may impact secondary protein structure as these residues differ in some properties. This substitution occurs at a position that is conserved across species. In silico analysis predicts this variant is probably damaging to the protein structure/function. A missense variant at the same residue (S101F) has been reported in the Human Gene Mutation Database in association with 3-methylcrotonyl-CoA carboxylase (3-MCC) deficiency (Stenson et al., 2014), supporting the functional importance of this region of the protein. In summary, we interpret this variant as likely pathogenic; however, the possibility that it is benign cannot be excluded.